The following is an entry in ClinVar:

ClinVar aggregate classification (germline): Uncertain significance. Review status: criteria provided, single submitter (1 of 4 stars). 2 submissions from 2 submitters: Uncertain significance (1). 1 of the submissions does not count toward it. Last evaluated 2021-09-01.

Conditions:
BBS7-related disorder. Also called: BBS7-related condition.
Bardet-Biedl syndrome (BBS). Identifiers: Orphanet 110, MedGen C0752166, MONDO:0015229.

Allele frequency attached by ClinVar (database versions not stated): 1000 Genomes Project 0.00020; 1000 Genomes Project 30x 0.00031.
gnomAD v4.1: 15 of 1,613,842 alleles (0.00093%); highest among the groups gnomAD compares: African/African-American, 0.0013%; no homozygotes.

Submissions (2):

Labcorp Genetics (formerly Invitae), Labcorp
Classification: Uncertain significance for Bardet-Biedl syndrome. Last evaluated: 2021-09-01. Review status: criteria provided, single submitter. Criteria: Invitae Variant Classification Sherloc (09022015). Collection method: clinical testing. Allele origin: germline.
Comment: This sequence change replaces arginine with proline at codon 484 of the BBS7 protein (p.Arg484Pro). The arginine residue is moderately conserved and there is a moderate physicochemical difference between arginine and proline. This variant is present in population databases (rs200720761, ExAC 0.001%). This variant has not been reported in the literature in individuals affected with BBS7-related conditions. Algorithms developed to predict the effect of missense changes on protein structure and function (SIFT, PolyPhen-2, Align-GVGD) all suggest that this variant is likely to be tolerated. In summary, the available evidence is currently insufficient to determine the role of this variant in disease. Therefore, it has been classified as a Variant of Uncertain Significance.

PreventionGenetics, part of Exact Sciences
Classification: Uncertain significance for BBS7-related condition. Last evaluated: 2024-04-16. Review status: no assertion criteria provided. Collection method: clinical testing. Allele origin: germline. Not counted in ClinVar's aggregate classification.
Comment: The BBS7 c.1451G>C variant is predicted to result in the amino acid substitution p.Arg484Pro. To our knowledge, this variant has not been reported in the literature. This variant is reported in 0.00088% of alleles in individuals of European (Non-Finnish) descent in gnomAD. At this time, the clinical significance of this variant is uncertain due to the absence of conclusive functional and genetic evidence.

NM_176824.3(BBS7):c.1451G>C (p.Arg484Pro)

Gene: BBS7 (Bardet-Biedl syndrome 7; minus strand). Cytogenetic location: 4q27.
Variant type: single nucleotide variant.
Coding change: c.1451G>C on transcript NM_176824.3 (MANE Select); coding-DNA position 1451, G replaced by C.
Protein change: p.Arg484Pro; replaces arginine 484 with proline.
Molecular consequence: missense variant.
Genome position (GRCh38, 1-based): chr4:121,835,204, C>G on the plus strand (G>C on the coding strand, the complement: BBS7 is on the minus strand). VCF-style: chr4-121835204-C-G. GRCh37 (hg19) VCF-style: chr4-122756359-C-G.
Other names: c.1451G>C, p.Arg484Pro (NM_018190.4); c.1451G>C (NM_176824.2); short protein forms R484P.
Identifiers: ClinVar variation 1428282 (VCV001428282.6), dbSNP rs200720761, ClinGen allele CA3064222.